The following is an entry in ClinVar:

ClinVar aggregate classification (germline): Benign/Likely benign. Review status: criteria provided, multiple submitters, no conflicts (2 of 4 stars). 3 submissions from 3 submitters: Benign (1); Likely benign (2). Last evaluated 2018-07-31.

Allele frequency attached by ClinVar (database versions not stated): ExAC 0.00217; 1000 Genomes Project 0.00819; 1000 Genomes Project 30x 0.00828; gnomAD 0.00782 and 0.00842; TOPMed 0.00857; gnomAD exomes 0.00191; ESP Exome Variant Server 0.00715.
gnomAD v4.1: 2,217 of 1,611,842 alleles (0.14%); highest among the groups gnomAD compares: African/African-American, 2.6%; 24 homozygotes.

Submissions (3):

GeneDx
Classification: Likely benign. Last evaluated: 2018-07-31. Review status: criteria provided, single submitter. Criteria: GeneDx Variant Classification Process June 2021. Collection method: clinical testing. Allele origin: germline. Affected: yes.

Laboratory for Molecular Medicine, Mass General Brigham Personalized Medicine
Classification: Benign. Last evaluated: 2014-11-24. Review status: criteria provided, single submitter. Criteria: LMM Criteria. Collection method: clinical testing. Allele origin: germline. Observed: 6 variant alleles.
Comment: Pro13Pro in exon 1 of EDNRB: This variant is not expected to have clinical signi ficance because it does not alter an amino acid residue and is not located withi n the splice consensus sequence. It has been identified in 2.3% (41/1752) of Afr ican American chromosomes from a broad population by the NHLBI Exome Sequencing Project (dbSNP rs138247915).

Breakthrough Genomics
Classification: Likely benign. Review status: criteria provided, single submitter. Criteria: ACMG Guidelines, 2015. Collection method: not provided. Allele origin: germline. Inheritance: Autosomal recessive inheritance. Affected: yes.

NC_000013.11:g.77919577C>A

Genes: EDNRB (endothelin receptor type B; minus strand), LOC107882129 (EDNRB proximal promoter region; plus strand). Cytogenetic location: 13q22.3.
Variant type: single nucleotide variant.
Molecular consequence: synonymous variant (on NM_001201397.2). On other transcripts: intron variant (1).
Genome position: GRCh38 VCF-style: chr13-77919577-C-A. GRCh37 (hg19) VCF-style: chr13-78493712-C-A.
Other names: c.39G>T, p.Pro13= (NM_001201397.2); c.-51-953G>T (NM_000115.5).
Identifiers: ClinVar variation 226624 (VCV000226624.8), dbSNP rs138247915, ClinGen allele CA7012482.